The following is an entry in ClinVar:

NM_001127464.1:c.10283C>T

Gene: ZNF469 (zinc finger protein 469; plus strand).
Variant type: single nucleotide variant.
Identifiers: ClinVar variation 4615474 (VCV004615474.1).

ClinVar aggregate classification (germline): Uncertain significance (1 of 4 stars; one submission).

Conditions:
Cardiovascular phenotype. Identifiers: MedGen CN230736.

Submission:

Ambry Genetics
Classification: Uncertain significance for Cardiovascular phenotype. Last evaluated: 2025-10-26. Review status: criteria provided, single submitter. Criteria: Ambry Variant Classification Scheme 2023. Collection method: clinical testing. Allele origin: germline.
Comment: The p.P3428L variant (also known as c.10283C>T), located in coding exon 2 of the ZNF469 gene, results from a C to T substitution at nucleotide position 10283. The proline at codon 3428 is replaced by leucine, an amino acid with similar properties. This amino acid position is conserved. In addition, this alteration is predicted to be tolerated by in silico analysis. Based on the available evidence, the clinical significance of this variant remains unclear.